The following is an entry in ClinVar:

ClinVar aggregate classification (germline): Uncertain significance (1 of 4 stars; one submission).

Conditions:
Hypertrophic cardiomyopathy. Also called: HYPERTROPHIC MYOCARDIOPATHY. Identifiers: Orphanet 217569, MedGen C0007194, MeSH D002312, MONDO:0005045, HP:0001639.

Submission:

Labcorp Genetics (formerly Invitae), Labcorp
Classification: Uncertain significance for Hypertrophic cardiomyopathy. Last evaluated: 2020-06-04. Review status: criteria provided, single submitter. Criteria: Invitae Variant Classification Sherloc (09022015). Collection method: clinical testing. Allele origin: germline.
Comment: In summary, the available evidence is currently insufficient to determine the role of this variant in disease. Therefore, it has been classified as a Variant of Uncertain Significance. This variant is found within a region of MYH7 between codons 181 and 937 that contains the majority of the myosin head domain. Missense variants in this region have been shown to be significantly overrepresented in individuals with hypertrophic cardiomyopathy (PMID: 27532257). Algorithms developed to predict the effect of missense changes on protein structure and function are either unavailable or do not agree on the potential impact of this missense change (SIFT: "Deleterious"; PolyPhen-2: "Possibly Damaging"; Align-GVGD: "Class C0"). This variant has not been reported in the literature in individuals with MYH7-related conditions. This variant is not present in population databases (ExAC no frequency). This sequence change replaces alanine with threonine at codon 463 of the MYH7 protein (p.Ala463Thr). The alanine residue is highly conserved and there is a small physicochemical difference between alanine and threonine.

Literature cited by the submitters: PubMed 27532257.

NM_000257.4(MYH7):c.1387G>A (p.Ala463Thr)

Gene: MYH7 (myosin heavy chain 7; minus strand). Cytogenetic location: 14q11.2.
Variant type: single nucleotide variant.
Coding change: c.1387G>A on transcript NM_000257.4 (MANE Select); coding-DNA position 1387, G replaced by A.
Protein change: p.Ala463Thr; replaces alanine 463 with threonine.
Molecular consequence: missense variant.
Genome position (GRCh38, 1-based): chr14:23,428,975, C>T on the plus strand (G>A on the coding strand, the complement: MYH7 is on the minus strand). VCF-style: chr14-23428975-C-T. GRCh37 (hg19) VCF-style: chr14-23898184-C-T.
Other names: short protein forms A463T.
Identifiers: ClinVar variation 1064218 (VCV001064218.9), dbSNP rs2138675059, ClinGen allele CA389050733.
Genomic context (GRCh38, chr14:23,428,975, plus strand): 5'-GTGAGTGATTGTTCTCCCACTCCCAGGGGTCCCAACTCACATCGAAGATCTCGAAGCCAG[C>T]GATGTCCAGGACTCCTATGAAGTACTGGCGTGGCTGCTTGGTCTCCAGGGTGGCATTGAT-3'
Protein context (NP_000248.2, residues 453-473): RQYFIGVLDI[Ala463Thr]GFEIFDFNSF